The following is an entry in ClinVar:

NM_001909.5(CTSD):c.94A>G (p.Ile32Val)

Genes: CTSD (cathepsin D; minus strand), PRADX (PRC2 and DDX5 associated lncRNA; plus strand). Cytogenetic location: 11p15.5.
Variant type: single nucleotide variant.
Coding change: c.94A>G on transcript NM_001909.5 (MANE Select); coding-DNA position 94, A replaced by G.
Protein change: p.Ile32Val; replaces isoleucine 32 with valine.
Molecular consequence: missense variant.
Genome position (GRCh38, 1-based): chr11:1,761,443, T>C on the plus strand (A>G on the coding strand, the complement: CTSD is on the minus strand). VCF-style: chr11-1761443-T-C. GRCh37 (hg19) VCF-style: chr11-1782673-T-C.
Other names: short protein forms I32V.
Identifiers: ClinVar variation 1922397 (VCV001922397.5), dbSNP rs2493830069, ClinGen allele CA379099983.

ClinVar aggregate classification (germline): Uncertain significance (1 of 4 stars; one submission).

Conditions:
Neuronal ceroid lipofuscinosis. Also called: Neuronal Ceroid Lipofuscinoses. Identifiers: Orphanet 216, Orphanet 79263, MedGen C0027877, MONDO:0016295. Disease mechanism: loss of function.

Allele frequency attached by ClinVar (database versions not stated): gnomAD exomes below 0.00001.
gnomAD v4.1: 2 of 1,613,876 alleles (0.00012%); highest among the groups gnomAD compares: Admixed American, 0.0017%; no homozygotes.

Submission:

Labcorp Genetics (formerly Invitae), Labcorp
Classification: Uncertain significance for Neuronal ceroid lipofuscinosis. Last evaluated: 2025-04-21. Review status: criteria provided, single submitter. Criteria: Invitae Variant Classification Sherloc (09022015). Collection method: clinical testing. Allele origin: germline.
Comment: This sequence change replaces isoleucine, which is neutral and non-polar, with valine, which is neutral and non-polar, at codon 32 of the CTSD protein (p.Ile32Val). This variant is not present in population databases (gnomAD no frequency). This variant has not been reported in the literature in individuals affected with CTSD-related conditions. ClinVar contains an entry for this variant (Variation ID: 1922397). An algorithm developed to predict the effect of missense changes on protein structure and function outputs the following: PolyPhen-2: "Benign". The valine amino acid residue is found in multiple mammalian species, which suggests that this missense change does not adversely affect protein function. In summary, the available evidence is currently insufficient to determine the role of this variant in disease. Therefore, it has been classified as a Variant of Uncertain Significance.